The following is an entry in ClinVar:

ClinVar aggregate classification (germline): Uncertain significance (1 of 4 stars; one submission).

Conditions:
Cardiovascular phenotype. Identifiers: MedGen CN230736.

Submission:

Ambry Genetics
Classification: Uncertain significance for Cardiovascular phenotype. Last evaluated: 2024-04-21. Review status: criteria provided, single submitter. Criteria: Ambry Variant Classification Scheme 2023. Collection method: clinical testing. Allele origin: germline.
Comment: The p.E144G variant (also known as c.431A>G), located in coding exon 3 of the APOA1 gene, results from an A to G substitution at nucleotide position 431. The glutamic acid at codon 144 is replaced by glycine, an amino acid with similar properties. This amino acid position is conserved. In addition, this alteration is predicted to be tolerated by in silico analysis. Based on the available evidence, the clinical significance of this variant remains unclear.

NM_000039.3(APOA1):c.431A>G (p.Glu144Gly)

Genes: APOA1 (apolipoprotein A1; minus strand), APOA1-AS (APOA1 antisense RNA; plus strand). Cytogenetic location: 11q23.3.
Variant type: single nucleotide variant.
Coding change: c.431A>G on transcript NM_000039.3 (MANE Select); coding-DNA position 431, A replaced by G.
Protein change: p.Glu144Gly; replaces glutamic acid 144 with glycine.
Molecular consequence: missense variant. On other transcripts: non-coding transcript variant (1).
Genome position (GRCh38, 1-based): chr11:116,836,181, T>C on the plus strand (A>G on the coding strand, the complement: APOA1 is on the minus strand). VCF-style: chr11-116836181-T-C. GRCh37 (hg19) VCF-style: chr11-116706897-T-C.
Other names: c.431A>G, p.Glu144Gly (NM_001318017.2, NM_001318018.2); c.104A>G, p.Glu35Gly (NM_001318021.2); short protein forms E144G, E35G.
Identifiers: ClinVar variation 3306880 (VCV003306880.1).